The following is an entry in ClinVar:

ClinVar aggregate classification (germline): Uncertain significance. Review status: criteria provided, single submitter (1 of 4 stars). 2 submissions from 2 submitters: Uncertain significance (1). 1 of the submissions does not count toward it. Last evaluated 2025-02-13.

Conditions:
Cardiovascular phenotype. Identifiers: MedGen CN230736.
Hereditary cancer-predisposing syndrome. Also called: Hereditary Cancer Syndrome; Hereditary neoplastic syndrome; Neoplastic Syndromes, Hereditary; Tumor predisposition. Identifiers: Orphanet 140162, MedGen C0027672, MeSH D009386, MONDO:0015356.
NF1-related disorder. Also called: NF1-related condition. Identifiers: MedGen CN379171.

Submissions (2):

Ambry Genetics
Classification: Uncertain significance for Cardiovascular phenotype; Hereditary cancer-predisposing syndrome. Last evaluated: 2025-02-13. Review status: criteria provided, single submitter. Criteria: Ambry Variant Classification Scheme 2023. Collection method: clinical testing. Allele origin: germline.
Comment: The p.G453A variant (also known as c.1358G>C), located in coding exon 12 of the NF1 gene, results from a G to C substitution at nucleotide position 1358. The glycine at codon 453 is replaced by alanine, an amino acid with similar properties. This amino acid position is well conserved in available vertebrate species. In addition, the in silico prediction for this alteration is inconclusive. Based on the available evidence, the clinical significance of this variant remains unclear.

PreventionGenetics, part of Exact Sciences
Classification: Uncertain significance for NF1-related condition. Last evaluated: 2023-10-28. Review status: no assertion criteria provided. Collection method: clinical testing. Allele origin: germline. Not counted in ClinVar's aggregate classification.
Comment: The NF1 c.1358G>C variant is predicted to result in the amino acid substitution p.Gly453Ala. To our knowledge, this variant has not been reported in the literature or in a large population database, indicating this variant is rare. At this time, the clinical significance of this variant is uncertain due to the absence of conclusive functional and genetic evidence.

NM_001042492.3(NF1):c.1358G>C (p.Gly453Ala)

Gene: NF1 (neurofibromin 1; plus strand). Cytogenetic location: 17q11.2.
Variant type: single nucleotide variant.
Coding change: c.1358G>C on transcript NM_001042492.3 (MANE Select); coding-DNA position 1358, G replaced by C.
Protein change: p.Gly453Ala; replaces glycine 453 with alanine.
Molecular consequence: missense variant.
Genome position (GRCh38, 1-based): chr17:31,206,337, G>C. VCF-style: chr17-31206337-G-C. GRCh37 (hg19) VCF-style: chr17-29533355-G-C.
Other names: c.1358G>C, p.Gly453Ala (NM_000267.4, NM_001128147.3); short protein forms G453A.
Identifiers: ClinVar variation 1770746 (VCV001770746.5), dbSNP rs876660915, ClinGen allele CA398999690.
Genomic context (GRCh38, chr17:31,206,337, plus strand): 5'-ATTGTCACTCGGTTGAACTTCGAAATATGTTTGGTGAAACACTTCATAAAGCAGTGCAAG[G>C]TTGTGGAGCACACCCAGCAATACGAATGGCACCGGTAAGATAAATCACGAATTTTGAATC-3'
Protein context (NP_001035957.1, residues 443-463): FGETLHKAVQ[Gly453Ala]CGAHPAIRMA